The following is an entry in ClinVar:

ClinVar aggregate classification (germline): Likely pathogenic (1 of 4 stars; one submission).

Submission:

Labcorp Genetics (formerly Invitae), Labcorp
Classification: Likely pathogenic. Last evaluated: 2023-08-09. Review status: criteria provided, single submitter. Criteria: Invitae Variant Classification Sherloc (09022015). Collection method: clinical testing. Allele origin: germline.
Comment: Algorithms developed to predict the effect of sequence changes on RNA splicing suggest that this variant may disrupt the consensus splice site. In summary, the currently available evidence indicates that the variant is pathogenic, but additional data are needed to prove that conclusively. Therefore, this variant has been classified as Likely Pathogenic. This variant has not been reported in the literature in individuals affected with AAAS-related conditions. This variant is not present in population databases (gnomAD no frequency). This sequence change affects an acceptor splice site in intron 2 of the AAAS gene. It is expected to disrupt RNA splicing. Variants that disrupt the donor or acceptor splice site typically lead to a loss of protein function (PMID: 16199547), and loss-of-function variants in AAAS are known to be pathogenic (PMID: 11159947).

Literature cited by the submitters: PubMed 16199547; PubMed 11159947.

NM_015665.6(AAAS):c.252-1G>T

Gene: AAAS (aladin WD repeat nucleoporin; minus strand). Cytogenetic location: 12q13.13.
Variant type: single nucleotide variant.
Coding change: c.252-1G>T on transcript NM_015665.6 (MANE Select); the canonical splice acceptor site of the intron before coding-DNA position 252, G replaced by T.
Molecular consequence: splice acceptor variant.
Genome position (GRCh38, 1-based): chr12:53,315,783, C>A on the plus strand (G>T on the coding strand, the complement: AAAS is on the minus strand). VCF-style: chr12-53315783-C-A. GRCh37 (hg19) VCF-style: chr12-53709567-C-A.
Other names: c.252-1G>T (NM_001173466.2).
Identifiers: ClinVar variation 2751360 (VCV002751360.3), dbSNP rs1351971341, ClinGen allele CA385044593.